The following is an entry in ClinVar:

NM_004247.4(EFTUD2):c.1432A>G (p.Thr478Ala)

Gene: EFTUD2 (elongation factor Tu GTP binding domain containing 2; minus strand). Cytogenetic location: 17q21.31.
Variant type: single nucleotide variant.
Coding change: c.1432A>G on transcript NM_004247.4 (MANE Select); coding-DNA position 1432, A replaced by G.
Protein change: p.Thr478Ala; replaces threonine 478 with alanine.
Molecular consequence: missense variant.
Genome position (GRCh38, 1-based): chr17:44,862,888, T>C on the plus strand (A>G on the coding strand, the complement: EFTUD2 is on the minus strand). VCF-style: chr17-44862888-T-C. GRCh37 (hg19) VCF-style: chr17-42940256-T-C.
Other names: c.1327A>G, p.Thr443Ala (NM_001142605.2); c.1432A>G, p.Thr478Ala (NM_001258353.2); c.1402A>G, p.Thr468Ala (NM_001258354.2); short protein forms T443A, T478A, T468A.
Identifiers: ClinVar variation 2722774 (VCV002722774.3), dbSNP rs1243132387, ClinGen allele CA399814223.

ClinVar aggregate classification (germline): Uncertain significance (1 of 4 stars; one submission).

Allele frequency attached by ClinVar (database versions not stated): gnomAD exomes below 0.00001.
gnomAD v4.1: 2 of 1,609,790 alleles (0.00012%); highest among the groups gnomAD compares: East Asian, 0.0022%; no homozygotes.

Submission:

Labcorp Genetics (formerly Invitae), Labcorp
Classification: Uncertain significance. Last evaluated: 2025-12-16. Review status: criteria provided, single submitter. Criteria: Invitae Variant Classification Sherloc (09022015). Collection method: clinical testing. Allele origin: germline.
Comment: This sequence change replaces threonine, which is neutral and polar, with alanine, which is neutral and non-polar, at codon 478 of the EFTUD2 protein (p.Thr478Ala). This variant is present in population databases (no rsID available, gnomAD 0.006%). This variant has not been reported in the literature in individuals affected with EFTUD2-related conditions. ClinVar contains an entry for this variant (Variation ID: 2722774). Invitae Evidence Modeling of protein sequence and biophysical properties (such as structural, functional, and spatial information, amino acid conservation, physicochemical variation, residue mobility, and thermodynamic stability) has been performed for this missense variant. However, the output from this modeling did not meet the statistical confidence thresholds required to predict the impact of this variant on EFTUD2 protein function. In summary, the available evidence is currently insufficient to determine the role of this variant in disease. Therefore, it has been classified as a Variant of Uncertain Significance.